The following is an entry in ClinVar:

ClinVar aggregate classification (germline): Uncertain significance. Review status: criteria provided, multiple submitters, no conflicts (2 of 4 stars). 2 submissions from 2 submitters: Uncertain significance (2). Last evaluated 2025-04-01.

Conditions:
Cardiovascular phenotype. Identifiers: MedGen CN230736.
Arrhythmogenic right ventricular dysplasia 8 (ARVD8). Also called: ARRHYTHMOGENIC RIGHT VENTRICULAR DYSPLASIA, FAMILIAL, 8; ARRHYTHMOGENIC RIGHT VENTRICULAR CARDIOMYOPATHY 8; Arrhythmogenic Right Ventricular Dysplasia/Cardiomyopathy 8. Identifiers: MedGen C1843896, MONDO:0011831, OMIM 607450.
Arrhythmogenic cardiomyopathy with wooly hair and keratoderma. Also called: PALMOPLANTAR KERATODERMA WITH LEFT VENTRICULAR CARDIOMYOPATHY AND WOOLLY HAIR; Carvajal syndrome; Dilated cardiomyopathy with woolly hair and keratoderma; Arrhythmogenic cardiomyopathy with woolly hair and keratoderma. Identifiers: Orphanet 65282, MedGen C1854063, MONDO:0011581, OMIM 605676.

gnomAD v4.1: 2 of 1,614,144 alleles (0.00012%); highest among the groups gnomAD compares: Non-Finnish European, 0.000085%; no homozygotes.

Submissions (2):

Labcorp Genetics (formerly Invitae), Labcorp
Classification: Uncertain significance for Arrhythmogenic cardiomyopathy with wooly hair and keratoderma; Arrhythmogenic right ventricular dysplasia 8. Last evaluated: 2025-04-01. Review status: criteria provided, single submitter. Criteria: Invitae Variant Classification Sherloc (09022015). Collection method: clinical testing. Allele origin: germline.
Comment: This sequence change replaces alanine, which is neutral and non-polar, with threonine, which is neutral and polar, at codon 2712 of the DSP protein (p.Ala2712Thr). This variant is present in population databases (no rsID available, gnomAD 0.0009%). This missense change has been observed in individual(s) with DSP-related conditions (PMID: 20716751, 32372669). ClinVar contains an entry for this variant (Variation ID: 3224253). An algorithm developed to predict the effect of missense changes on protein structure and function (PolyPhen-2) suggests that this variant is likely to be disruptive. In summary, the available evidence is currently insufficient to determine the role of this variant in disease. Therefore, it has been classified as a Variant of Uncertain Significance.

Ambry Genetics
Classification: Uncertain significance for Cardiovascular phenotype. Last evaluated: 2023-09-27. Review status: criteria provided, single submitter. Criteria: Ambry Variant Classification Scheme 2023. Collection method: clinical testing. Allele origin: germline.
Comment: The p.A2712T variant (also known as c.8134G>A), located in coding exon 24 of the DSP gene, results from a G to A substitution at nucleotide position 8134. The alanine at codon 2712 is replaced by threonine, an amino acid with similar properties. This alteration has been reported in a dilated cardiomyopathy (DCM) cohort (Elliott P et al. Circ Cardiovasc Genet, 2010 Aug;3:314-22). This amino acid position is highly conserved in available vertebrate species. In addition, this alteration is predicted to be deleterious by in silico analysis. Since supporting evidence is limited at this time, the clinical significance of this alteration remains unclear.

Literature cited by the submitters: PubMed 20716751 (cited by Labcorp Genetics (formerly Invitae), Labcorp and Ambry Genetics); PubMed 32372669 (cited by Labcorp Genetics (formerly Invitae), Labcorp).

NM_004415.4(DSP):c.8134G>A (p.Ala2712Thr)

Gene: DSP (desmoplakin; plus strand). Cytogenetic location: 6p24.3.
Variant type: single nucleotide variant.
Coding change: c.8134G>A on transcript NM_004415.4 (MANE Select); coding-DNA position 8134, G replaced by A.
Protein change: p.Ala2712Thr; replaces alanine 2712 with threonine.
Molecular consequence: missense variant.
Genome position (GRCh38, 1-based): chr6:7,585,396, G>A. VCF-style: chr6-7585396-G-A. GRCh37 (hg19) VCF-style: chr6-7585629-G-A.
Other names: c.6337G>A, p.Ala2113Thr (NM_001008844.3); c.6805G>A, p.Ala2269Thr (NM_001319034.2); short protein forms A2113T, A2269T, A2712T.
Identifiers: ClinVar variation 3224253 (VCV003224253.2), dbSNP rs1288275514, ClinGen allele CA362694509.
Genomic context (GRCh38, chr6:7,585,396, plus strand): 5'-CAGAAAGCCTTCATAGGCTTCGAGGGTGTGAAGGGAAAGAAGAAGATGTCAGCAGCAGAG[G>A]CAGTGAAAGAAAAATGGCTCCCGTATGAGGCTGGCCAGCGCTTCCTGGAGTTCCAGTACC-3'
Protein context (NP_004406.2, residues 2702-2722): KGKKKMSAAE[Ala2712Thr]VKEKWLPYEA